The following is an entry in ClinVar:

NM_017613.4(DONSON):c.1524A>T (p.Val508=)

Gene: DONSON (DNA replication fork stabilization factor DONSON; minus strand). Cytogenetic location: 21q22.11.
Variant type: single nucleotide variant.
Coding change: c.1524A>T on transcript NM_017613.4 (MANE Select); coding-DNA position 1524, A replaced by T.
Protein change: p.Val508=; no amino-acid change (valine 508 retained).
Molecular consequence: synonymous variant.
Genome position (GRCh38, 1-based): chr21:33,579,389, T>A on the plus strand (A>T on the coding strand, the complement: DONSON is on the minus strand). VCF-style: chr21-33579389-T-A. GRCh37 (hg19) VCF-style: chr21-34951695-T-A.
Other names: c.1524A>T (NM_017613.3).
Identifiers: ClinVar variation 2970129 (VCV002970129.6), dbSNP rs762016125, ClinGen allele CA10010298.

ClinVar aggregate classification (germline): Likely benign. Review status: criteria provided, multiple submitters, no conflicts (2 of 4 stars). 3 submissions from 3 submitters: Likely benign (2). 1 of the submissions does not count toward it. Last evaluated 2024-10-30.

Conditions:
DONSON-related disorder. Also called: DONSON-related condition.

Allele frequency attached by ClinVar (database versions not stated): TOPMed below 0.00001; gnomAD 0.00013; ExAC 0.00018.
gnomAD v4.1: 112 of 1,611,590 alleles (0.0069%); highest among the groups gnomAD compares: Non-Finnish European, 0.0022%; no homozygotes.

Submissions (3):

Labcorp Genetics (formerly Invitae), Labcorp
Classification: Likely benign. Last evaluated: 2024-10-30. Review status: criteria provided, single submitter. Criteria: Invitae Variant Classification Sherloc (09022015). Collection method: clinical testing. Allele origin: germline.

Blueprint Genetics
Classification: Likely benign. Last evaluated: 2023-07-18. Review status: criteria provided, single submitter. Criteria: ACMG Guidelines, 2015. Collection method: clinical testing. Allele origin: germline.

PreventionGenetics, part of Exact Sciences
Classification: Likely benign for DONSON-related condition. Last evaluated: 2020-01-03. Review status: no assertion criteria provided. Collection method: clinical testing. Allele origin: germline. Not counted in ClinVar's aggregate classification.
Comment: This variant is classified as likely benign based on ACMG/AMP sequence variant interpretation guidelines (Richards et al. 2015 PMID: 25741868, with internal and published modifications).